The following is an entry in ClinVar:

NM_000460.4(THPO):c.245A>G (p.Gln82Arg)

Gene: THPO (thrombopoietin; minus strand). Cytogenetic location: 3q27.1.
Variant type: single nucleotide variant.
Coding change: c.245A>G on transcript NM_000460.4 (MANE Select); coding-DNA position 245, A replaced by G.
Protein change: p.Gln82Arg; replaces glutamine 82 with arginine.
Molecular consequence: missense variant.
Genome position (GRCh38, 1-based): chr3:184,373,566, T>C on the plus strand (A>G on the coding strand, the complement: THPO is on the minus strand). VCF-style: chr3-184373566-T-C. GRCh37 (hg19) VCF-style: chr3-184091354-T-C.
Other names: c.245A>G, p.Gln82Arg (NM_001177597.2, NM_001177598.2, NM_001289997.1 and 5 more transcripts); c.665A>G, p.Gln222Arg (NM_001290003.1); short protein forms Q222R, Q82R.
Identifiers: ClinVar variation 3607252 (VCV003607252.8).

ClinVar aggregate classification (germline): Uncertain significance. Review status: criteria provided, multiple submitters, no conflicts (2 of 4 stars). 2 submissions from 2 submitters: Uncertain significance (2). Last evaluated 2025-10-01.

gnomAD v4.1: 3 of 1,614,112 alleles (0.00019%); highest among the groups gnomAD compares: South Asian, 0.0022%; no homozygotes.

Submissions (2):

CeGaT Center for Human Genetics Tuebingen
Classification: Uncertain significance. Last evaluated: 2025-10-01. Review status: criteria provided, single submitter. Criteria: CeGaT Center For Human Genetics Tuebingen Variant Classification Criteria Version 2. Collection method: clinical testing. Allele origin: germline. Affected: yes. Observed: 1 variant allele.

Labcorp Genetics (formerly Invitae), Labcorp
Classification: Uncertain significance. Last evaluated: 2024-09-19. Review status: criteria provided, single submitter. Criteria: Invitae Variant Classification Sherloc (09022015). Collection method: clinical testing. Allele origin: germline.
Comment: This sequence change replaces glutamine, which is neutral and polar, with arginine, which is basic and polar, at codon 82 of the THPO protein (p.Gln82Arg). This variant is present in population databases (no rsID available, gnomAD 0.003%). This variant has not been reported in the literature in individuals affected with THPO-related conditions. Invitae Evidence Modeling of protein sequence and biophysical properties (such as structural, functional, and spatial information, amino acid conservation, physicochemical variation, residue mobility, and thermodynamic stability) has been performed for this missense variant. However, the output from this modeling did not meet the statistical confidence thresholds required to predict the impact of this variant on THPO protein function. In summary, the available evidence is currently insufficient to determine the role of this variant in disease. Therefore, it has been classified as a Variant of Uncertain Significance.